The following is an entry in ClinVar:

ClinVar aggregate classification (germline): Pathogenic (1 of 4 stars; one submission).

Submission:

Labcorp Genetics (formerly Invitae), Labcorp
Classification: Pathogenic. Last evaluated: 2022-03-27. Review status: criteria provided, single submitter. Criteria: Invitae Variant Classification Sherloc (09022015). Collection method: clinical testing. Allele origin: germline.
Comment: This sequence change creates a premature translational stop signal (p.Ser1671*) in the EYS gene. It is expected to result in an absent or disrupted protein product. Loss-of-function variants in EYS are known to be pathogenic (PMID: 18836446, 20333770). This variant is not present in population databases (gnomAD no frequency). This variant has not been reported in the literature in individuals affected with EYS-related conditions. For these reasons, this variant has been classified as Pathogenic.

Literature cited by the submitters: PubMed 18836446; PubMed 20333770.

NM_001142800.2(EYS):c.5012C>A (p.Ser1671Ter)

Gene: EYS (EGF-like photoreceptor maintenance factor; minus strand). Cytogenetic location: 6q12.
Variant type: single nucleotide variant.
Coding change: c.5012C>A on transcript NM_001142800.2 (MANE Select); coding-DNA position 5012, C replaced by A.
Protein change: p.Ser1671Ter; replaces serine 1671 with a stop codon.
Molecular consequence: nonsense.
Genome position (GRCh38, 1-based): chr6:64,590,855, G>T on the plus strand (C>A on the coding strand, the complement: EYS is on the minus strand). VCF-style: chr6-64590855-G-T. GRCh37 (hg19) VCF-style: chr6-65300748-G-T.
Other names: c.5012C>A, p.Ser1671Ter (NM_001292009.2); short protein forms S1671*.
Identifiers: ClinVar variation 2118353 (VCV002118353.4), dbSNP rs2533151293, ClinGen allele CA364782048.